The following is an entry in ClinVar:

NM_152703.5(SAMD9L):c.1627T>C (p.Phe543Leu)

Gene: SAMD9L (sterile alpha motif domain containing 9 like; minus strand). Cytogenetic location: 7q21.2.
Variant type: single nucleotide variant.
Coding change: c.1627T>C on transcript NM_152703.5 (MANE Select); coding-DNA position 1627, T replaced by C.
Protein change: p.Phe543Leu; replaces phenylalanine 543 with leucine.
Molecular consequence: missense variant.
Genome position (GRCh38, 1-based): chr7:93,134,345, A>G on the plus strand (T>C on the coding strand, the complement: SAMD9L is on the minus strand). VCF-style: chr7-93134345-A-G. GRCh37 (hg19) VCF-style: chr7-92763658-A-G.
Other names: c.1627T>C, p.Phe543Leu (NM_001303496.3, NM_001303497.3, NM_001303498.3 and 5 more transcripts); short protein forms F543L.
Identifiers: ClinVar variation 4844825 (VCV004844825.1).

ClinVar aggregate classification (germline): Uncertain significance (1 of 4 stars; one submission).

Conditions:
Inborn genetic diseases. Identifiers: MedGen C0950123, MeSH D030342.

Submission:

Ambry Genetics
Classification: Uncertain significance for Inborn genetic diseases. Last evaluated: 2026-02-14. Review status: criteria provided, single submitter. Criteria: Ambry Variant Classification Scheme 2023. Collection method: clinical testing. Allele origin: germline.
Comment: The p.F543L variant (also known as c.1627T>C), located in coding exon 1 of the SAMD9L gene, results from a T to C substitution at nucleotide position 1627. The phenylalanine at codon 543 is replaced by leucine, an amino acid with highly similar properties. This amino acid position is conserved. In addition, this alteration is predicted to be tolerated by in silico analysis. Based on the available evidence, the clinical significance of this variant remains unclear.